The following is an entry in ClinVar:

NM_004006.3(DMD):c.3957C>A (p.Asn1319Lys)

Gene: DMD (dystrophin; minus strand). Cytogenetic location: Xp21.1.
Variant type: single nucleotide variant.
Coding change: c.3957C>A on transcript NM_004006.3 (MANE Select); coding-DNA position 3957, C replaced by A.
Protein change: p.Asn1319Lys; replaces asparagine 1319 with lysine.
Molecular consequence: missense variant.
Genome position (GRCh38, 1-based): chrX:32,438,355, G>T on the plus strand (C>A on the coding strand, the complement: DMD is on the minus strand). VCF-style: chrX-32438355-G-T. GRCh37 (hg19) VCF-style: chrX-32456472-G-T.
Other names: c.3933C>A, p.Asn1311Lys (NM_000109.4); c.3945C>A, p.Asn1315Lys (NM_004009.3); c.3588C>A, p.Asn1196Lys (NM_004010.3); short protein forms N1311K, N1315K, N1196K, N1319K.
Identifiers: ClinVar variation 1983217 (VCV001983217.4), dbSNP rs2524074066, ClinGen allele CA412669443.

ClinVar aggregate classification (germline): Uncertain significance (1 of 4 stars; one submission).

Conditions:
Duchenne muscular dystrophy (DMD). Also called: MUSCULAR DYSTROPHY, PSEUDOHYPERTROPHIC PROGRESSIVE, DUCHENNE TYPE; Duchenne Muscular Dystrophy (DMD). Identifiers: Orphanet 98896, MedGen C0013264, MONDO:0010679, OMIM 310200.

Allele frequency attached by ClinVar (database versions not stated): gnomAD exomes below 0.00001.
gnomAD v4.1: 1 of 1,211,141 alleles (0.000083%); highest among the groups gnomAD compares: Admixed American, 0.0022%; no homozygotes.

Submission:

Labcorp Genetics (formerly Invitae), Labcorp
Classification: Uncertain significance for Duchenne muscular dystrophy. Last evaluated: 2022-04-12. Review status: criteria provided, single submitter. Criteria: Invitae Variant Classification Sherloc (09022015). Collection method: clinical testing. Allele origin: germline.
Comment: This sequence change replaces asparagine, which is neutral and polar, with lysine, which is basic and polar, at codon 1319 of the DMD protein (p.Asn1319Lys). In summary, the available evidence is currently insufficient to determine the role of this variant in disease. Therefore, it has been classified as a Variant of Uncertain Significance. This variant is not present in population databases (gnomAD no frequency). This variant has not been reported in the literature in individuals affected with DMD-related conditions. Algorithms developed to predict the effect of missense changes on protein structure and function are either unavailable or do not agree on the potential impact of this missense change (SIFT: "Tolerated"; PolyPhen-2: "Possibly Damaging"; Align-GVGD: "Class C0").